The following is an entry in ClinVar:

ClinVar aggregate classification (germline): Likely benign (0 of 4 stars; one submission).

Conditions:
DNMBP-related disorder. Also called: DNMBP-related condition.

Allele frequency attached by ClinVar (database versions not stated): gnomAD exomes 0.00013; ExAC 0.00026; 1000 Genomes Project 0.00080; ESP Exome Variant Server 0.00092; 1000 Genomes Project 30x 0.00109; gnomAD 0.00119; TOPMed 0.00147.
gnomAD v4.1: 366 of 1,613,544 alleles (0.023%); highest among the groups gnomAD compares: African/African-American, 0.44%; 2 homozygotes.

Submission:

PreventionGenetics, part of Exact Sciences
Classification: Likely benign for DNMBP-related condition. Last evaluated: 2022-02-10. Review status: no assertion criteria provided. Collection method: clinical testing. Allele origin: germline.
Comment: This variant is classified as likely benign based on ACMG/AMP sequence variant interpretation guidelines (Richards et al. 2015 PMID: 25741868, with internal and published modifications).

NM_015221.4(DNMBP):c.793G>A (p.Glu265Lys)

Genes: DNMBP (dynamin binding protein; minus strand), DNMBP-AS1 (DNMBP antisense RNA 1; plus strand). Cytogenetic location: 10q24.2.
Variant type: single nucleotide variant.
Coding change: c.793G>A on transcript NM_015221.4 (MANE Select); coding-DNA position 793, G replaced by A.
Protein change: p.Glu265Lys; replaces glutamic acid 265 with lysine.
Molecular consequence: missense variant.
Genome position (GRCh38, 1-based): chr10:99,956,681, C>T on the plus strand (G>A on the coding strand, the complement: DNMBP is on the minus strand). VCF-style: chr10-99956681-C-T. GRCh37 (hg19) VCF-style: chr10-101716438-C-T.
Other names: short protein forms E265K.
Identifiers: ClinVar variation 3054079 (VCV003054079.2), dbSNP rs79131099, ClinGen allele CA5645322.